The following is an entry in ClinVar:

NM_017946.4(FKBP14):c.511C>T (p.His171Tyr)

Genes: FKBP14 (FKBP prolyl isomerase 14; minus strand), FKBP14-AS1 (FKBP14 antisense RNA 1; plus strand). Cytogenetic location: 7p14.3.
Variant type: single nucleotide variant.
Coding change: c.511C>T on transcript NM_017946.4 (MANE Select); coding-DNA position 511, C replaced by T.
Protein change: p.His171Tyr; replaces histidine 171 with tyrosine.
Molecular consequence: missense variant. On other transcripts: non-coding transcript variant (2).
Genome position (GRCh38, 1-based): chr7:30,014,860, G>A on the plus strand (C>T on the coding strand, the complement: FKBP14 is on the minus strand). VCF-style: chr7-30014860-G-A. GRCh37 (hg19) VCF-style: chr7-30054476-G-A.
Other names: short protein forms H171Y.
Identifiers: ClinVar variation 656477 (VCV000656477.9), dbSNP rs1583725676, ClinGen allele CA367116391.
Genomic context (GRCh38, chr7:30,014,860, plus strand): 5'-CTTTATCAAAAATATCCTCCACCAAAGCATCATGATGACTTTCATTCACCACCGCACCAT[G>A]TTTTTCAAACTCCTTCTTTAAATATGCTTTAACCTACAAAATAACAGATCCCATTAATAA-3'
Protein context (NP_060416.1, residues 161-181): KAYLKKEFEK[His171Tyr]GAVVNESHHD

ClinVar aggregate classification (germline): Uncertain significance (1 of 4 stars; one submission).

Conditions:
Ehlers-Danlos syndrome, kyphoscoliotic type, 2. Also called: Ehlers-Danlos syndrome, kyphoscoliotic and deafness type; Ehlers-Danlos syndrome with progressive kyphoscoliosis, myopathy, and hearing loss; FKBP14-Kyphoscoliotic Ehlers-Danlos Syndrome. Identifiers: Orphanet 300179, MedGen C3281160, MONDO:0013800, OMIM 614557.

Submission:

Labcorp Genetics (formerly Invitae), Labcorp
Classification: Uncertain significance for Ehlers-Danlos syndrome, kyphoscoliotic type, 2. Last evaluated: 2018-09-18. Review status: criteria provided, single submitter. Criteria: Invitae Variant Classification Sherloc (09022015). Collection method: clinical testing. Allele origin: germline.
Comment: This variant has not been reported in the literature in individuals with FKBP14-related disease. In summary, the available evidence is currently insufficient to determine the role of this variant in disease. Therefore, it has been classified as a Variant of Uncertain Significance. Algorithms developed to predict the effect of missense changes on protein structure and function are either unavailable or do not agree on the potential impact of this missense change (SIFT: "Tolerated"; PolyPhen-2: "Probably Damaging"; Align-GVGD: "Class C0"). This variant is not present in population databases (ExAC no frequency). This sequence change replaces histidine with tyrosine at codon 171 of the FKBP14 protein (p.His171Tyr). The histidine residue is highly conserved and there is a moderate physicochemical difference between histidine and tyrosine.